The following is an entry in ClinVar:

ClinVar aggregate classification (germline): Pathogenic (1 of 4 stars; one submission).

Conditions:
Osteogenesis imperfecta type I (OI1). Also called: Classic Non-deforming Osteogenesis Imperfecta with Blue Sclerae; OI, TYPE I; OSTEOGENESIS IMPERFECTA TARDA; OSTEOGENESIS IMPERFECTA WITH BLUE SCLERAE; Osteogenesis imperfecta type 1; Lobstein's Disease. Identifiers: Orphanet 216796, Orphanet 666, MedGen C0023931, MONDO:0008146, OMIM 166200. Disease mechanism: loss of function.

Submission:

Labcorp Genetics (formerly Invitae), Labcorp
Classification: Pathogenic for Osteogenesis imperfecta type I. Last evaluated: 2024-05-06. Review status: criteria provided, single submitter. Criteria: Invitae Variant Classification Sherloc (09022015). Collection method: clinical testing. Allele origin: germline.
Comment: This sequence change creates a premature translational stop signal (p.Gly1169Valfs*70) in the COL1A1 gene. It is expected to result in an absent or disrupted protein product. Loss-of-function variants in COL1A1 are known to be pathogenic (PMID: 7942841, 9295084, 9443882). This variant is not present in population databases (gnomAD no frequency). This variant has not been reported in the literature in individuals affected with COL1A1-related conditions. For these reasons, this variant has been classified as Pathogenic.

Literature cited by the submitters: PubMed 7942841; PubMed 9295084; PubMed 9443882.

NM_000088.4(COL1A1):c.3506del (p.Gly1169fs)

Gene: COL1A1 (collagen type I alpha 1 chain; minus strand). Cytogenetic location: 17q21.33.
Variant type: Deletion.
Coding change: c.3506del on transcript NM_000088.4 (MANE Select); coding-DNA position 3506, one base deleted (G; older notation c.3506delG).
Protein change: p.Gly1169fs; shifts the reading frame from glycine 1169.
Molecular consequence: frameshift variant.
Genome position (GRCh38, 1-based): chr17:50,187,040, C deleted on the plus strand (G on the coding strand, the reverse complement: COL1A1 is on the minus strand); the first of 2 consecutive C bases (chr17:50,187,040-50,187,041); deleting either gives the same sequence. VCF-style (leftmost placement, unchanged base first): chr17-50187039-AC-A. GRCh37 (hg19) VCF-style: chr17-48264400-AC-A.
Other names: short protein forms G1169fs.
Identifiers: ClinVar variation 3652429 (VCV003652429.2).